The following is an entry in ClinVar:

NM_002905.5(RDH5):c.56G>A (p.Arg19Lys)

Genes: BLOC1S1-RDH5 (BLOC1S1-RDH5 readthrough; plus strand), RDH5 (retinol dehydrogenase 5; plus strand). Cytogenetic location: 12q13.2.
Variant type: single nucleotide variant.
Coding change: c.56G>A on transcript NM_002905.5 (MANE Select); coding-DNA position 56, G replaced by A.
Protein change: p.Arg19Lys; replaces arginine 19 with lysine.
Molecular consequence: missense variant.
Genome position (GRCh38, 1-based): chr12:55,721,240, G>A. VCF-style: chr12-55721240-G-A. GRCh37 (hg19) VCF-style: chr12-56115024-G-A.
Other names: c.56G>A, p.Arg19Lys (NM_001199771.3); c.56G>A (NM_002905.3); short protein forms R19K.
Identifiers: ClinVar variation 1493713 (VCV001493713.9), dbSNP rs370781214, ClinGen allele CA6616733.

ClinVar aggregate classification (germline): Uncertain significance. Review status: criteria provided, multiple submitters, no conflicts (2 of 4 stars). 2 submissions from 2 submitters: Uncertain significance (2). Last evaluated 2023-01-10.

Conditions:
Inborn genetic diseases. Identifiers: MedGen C0950123, MeSH D030342.

Allele frequency attached by ClinVar (database versions not stated): TOPMed below 0.00001; ESP Exome Variant Server 0.00008.
gnomAD v4.1: 1 of 1,613,918 alleles (0.000062%); highest among the groups gnomAD compares: Non-Finnish European, 0.000085%; no homozygotes.

Submissions (2):

Ambry Genetics
Classification: Uncertain significance for Inborn genetic diseases. Last evaluated: 2023-01-10. Review status: criteria provided, single submitter. Criteria: Ambry Variant Classification Scheme 2023. Collection method: clinical testing. Allele origin: germline.

Labcorp Genetics (formerly Invitae), Labcorp
Classification: Uncertain significance. Last evaluated: 2021-03-20. Review status: criteria provided, single submitter. Criteria: Invitae Variant Classification Sherloc (09022015). Collection method: clinical testing. Allele origin: germline.
Comment: In summary, the available evidence is currently insufficient to determine the role of this variant in disease. Therefore, it has been classified as a Variant of Uncertain Significance. Algorithms developed to predict the effect of sequence changes on RNA splicing suggest that this variant may create or strengthen a splice site, but this prediction has not been confirmed by published transcriptional studies. Algorithms developed to predict the effect of missense changes on protein structure and function are either unavailable or do not agree on the potential impact of this missense change (SIFT: "Tolerated"; PolyPhen-2: "Possibly Damaging"; Align-GVGD: "Class C0"). This variant has not been reported in the literature in individuals with RDH5-related conditions. This variant is present in population databases (rs370781214, ExAC 0.02%). This sequence change replaces arginine with lysine at codon 19 of the RDH5 protein (p.Arg19Lys). The arginine residue is moderately conserved and there is a small physicochemical difference between arginine and lysine.